The following is an entry in ClinVar:

ClinVar aggregate classification (germline): Uncertain significance. Review status: criteria provided, multiple submitters, no conflicts (2 of 4 stars). 2 submissions from 2 submitters: Uncertain significance (2). Last evaluated 2025-12-02.

Submissions (2):

Women's Health and Genetics/Laboratory Corporation of America, LabCorp
Classification: Uncertain significance. Last evaluated: 2025-12-02. Review status: criteria provided, single submitter. Criteria: LabCorp Variant Classification Summary - May 2015. Collection method: clinical testing. Allele origin: germline.
Comment: Variant summary: PCDH19 c.274_276delCTG (p.Leu92del) results in an in-frame deletion that is predicted to remove one amino acid from the encoded protein. The variant was absent in 181205 control chromosomes (gnomAD). The available data on variant occurrences in the general population are insufficient to allow any conclusion about variant significance. To our knowledge, no occurrence of c.274_276delCTG in individuals affected with PCDH19-related conditions and no experimental evidence demonstrating its impact on protein function have been reported. ClinVar contains an entry for this variant (Variation ID: 167422). Based on the evidence outlined above, the variant was classified as uncertain significance.

Eurofins Ntd Llc (ga)
Classification: Uncertain significance. Last evaluated: 2014-02-07. Review status: criteria provided, single submitter. Criteria: EGL Classification Definitions 2015. Collection method: clinical testing. Allele origin: germline. Observed: 1 variant allele, 1 hemizygote.

NM_001184880.2(PCDH19):c.271CTG[1] (p.Leu92del)

Gene: PCDH19 (protocadherin 19; minus strand). Cytogenetic location: Xq22.1.
Variant type: Microsatellite.
Coding change: c.271CTG[1] on transcript NM_001184880.2 (MANE Select); one copy of the 3-base unit CTG starting at c.271; the reference has two copies in a row; one copy, 3 bases deleted.
Protein change: p.Leu92del; deletes leucine 92.
Molecular consequence: inframe deletion.
Genome position (GRCh38, 1-based): chrX:100,408,322-100,408,324, CAG deleted on the plus strand (CTG on the coding strand, the reverse complement: PCDH19 is on the minus strand); deleting any 3 consecutive bases within chrX:100,408,322-100,408,327 gives the same sequence; the position shown is the placement nearest the transcript's 3' end. VCF-style (leftmost placement, unchanged base first): chrX-100408321-ACAG-A. GRCh37 (hg19) VCF-style: chrX-99663319-ACAG-A.
Other names: c.271CTG[1], p.Leu92del (NM_001105243.2, NM_020766.3); c.274_276delCTG (NM_001184880.2); short protein forms L92del.
Identifiers: ClinVar variation 167422 (VCV000167422.6), dbSNP rs727504068, ClinGen allele CA234494.